The following is an entry in ClinVar:

NM_022437.3(ABCG8):c.490C>T (p.Arg164Ter)

Gene: ABCG8 (ATP binding cassette subfamily G member 8; plus strand). Cytogenetic location: 2p21.
Variant type: single nucleotide variant.
Coding change: c.490C>T on transcript NM_022437.3 (MANE Select); coding-DNA position 490, C replaced by T.
Protein change: p.Arg164Ter; replaces arginine 164 with a stop codon.
Molecular consequence: nonsense.
Genome position (GRCh38, 1-based): chr2:43,851,751, C>T. VCF-style: chr2-43851751-C-T. GRCh37 (hg19) VCF-style: chr2-44078890-C-T.
Other names: c.490C>T (NM_022437.2); c.490C>T, p.Arg164Ter (NM_001357321.2); short protein forms R164*.
Identifiers: ClinVar variation 2076036 (VCV002076036.7), dbSNP rs780072835, ClinGen allele CA1637031.

ClinVar aggregate classification (germline): Pathogenic. Review status: criteria provided, multiple submitters, no conflicts (2 of 4 stars). 4 submissions from 4 submitters: Pathogenic (4). Last evaluated 2026-01-27.

Conditions:
Sitosterolemia 1. Identifiers: MedGen C2749759, MONDO:0020747, OMIM 210250.
Cardiovascular phenotype. Identifiers: MedGen CN230736.

Allele frequency attached by ClinVar (database versions not stated): gnomAD 0.00001; ExAC 0.00002; TOPMed 0.00002.
gnomAD v4.1: 27 of 1,614,116 alleles (0.0017%); highest among the groups gnomAD compares: East Asian, 0.0067%; no homozygotes.

Submissions (4):

Dasa
Classification: Pathogenic. Last evaluated: 2026-01-27. Review status: criteria provided, single submitter. Criteria: DASA Assertion Criteria. Collection method: clinical testing. Allele origin: germline.
Comment: NM_022437.3(ABCG8):c.490C>T (p.Arg164*) introduces a premature termination codon predicted to result in loss of normal protein function. Loss-of-function is an established mechanism of disease for this gene. This variant has been observed in affected individuals with related phenotype in a genotype context consistent with recessive disease (PMID: 24657386; PMID: 11452359). This variant has been recurrently observed in individuals with related phenotype (PMID: 24657386; PMID: 11452359). The variant is present at low frequency in population datasets. Based on the available data, this variant is classified as pathogenic.

Labcorp Genetics (formerly Invitae), Labcorp
Classification: Pathogenic. Last evaluated: 2025-12-17. Review status: criteria provided, single submitter. Criteria: Invitae Variant Classification Sherloc (09022015). Collection method: clinical testing. Allele origin: germline.
Comment: This sequence change creates a premature translational stop signal (p.Arg164*) in the ABCG8 gene. It is expected to result in an absent or disrupted protein product. Loss-of-function variants in ABCG8 are known to be pathogenic (PMID: 11452359, 15375183, 16029460). This variant is present in population databases (rs780072835, gnomAD 0.01%). This premature translational stop signal has been observed in individual(s) with clinical features of sitosterolemia (PMID: 11452359, 24657386, 25056759). ClinVar contains an entry for this variant (Variation ID: 2076036). For these reasons, this variant has been classified as Pathogenic.

Ambry Genetics
Classification: Pathogenic for Cardiovascular phenotype. Last evaluated: 2025-02-06. Review status: criteria provided, single submitter. Criteria: Ambry Variant Classification Scheme 2023. Collection method: clinical testing. Allele origin: germline.
Comment: The p.R164* pathogenic mutation (also known as c.490C>T), located in coding exon 4 of the ABCG8 gene, results from a C to T substitution at nucleotide position 490. This changes the amino acid from an arginine to a stop codon within coding exon 4. This variant has been identified in the homozygous state and/or in conjunction with other ABCG8 variant(s) in individual(s) with features consistent with sitosterolemia (Lu K et al. Am J Hum Genet, 2001 Aug;69:278-90; Hansel B et al. Atherosclerosis, 2014 May;234:162-8; Ajufo E et al. Circulation, 2023 Jun;147:1843-1847). This variant is considered to be rare based on population cohorts in the Genome Aggregation Database (gnomAD). This alteration is expected to result in loss of function by premature protein truncation or nonsense-mediated mRNA decay. As such, this alteration is interpreted as a disease-causing mutation.

Revvity Omics, Revvity
Classification: Pathogenic for Sitosterolemia 1. Last evaluated: 2024-07-17. Review status: criteria provided, single submitter. Criteria: ACMG Guidelines, 2015. Collection method: clinical testing. Allele origin: germline.

Literature cited by the submitters: PubMed 24657386 (cited by 3 submitters); PubMed 11452359 (cited by 3 submitters); PubMed 15375183 (cited by Labcorp Genetics (formerly Invitae), Labcorp); PubMed 16029460 (cited by Labcorp Genetics (formerly Invitae), Labcorp); PubMed 25056759 (cited by Labcorp Genetics (formerly Invitae), Labcorp); PubMed 37307308 (cited by Ambry Genetics).